The following is an entry in ClinVar:

NM_005732.4(RAD50):c.1266_1267del (p.Glu422fs)

Gene: RAD50 (RAD50 double strand break repair protein; plus strand). Cytogenetic location: 5q31.1.
Variant type: Microsatellite.
Coding change: c.1266_1267del on transcript NM_005732.4 (MANE Select); coding-DNA positions 1266 to 1267, 2 bases deleted (GA; older notation c.1266_1267delGA).
Protein change: p.Glu422fs; shifts the reading frame from glutamic acid 422.
Molecular consequence: frameshift variant.
Genome position (GRCh38, 1-based): chr5:132,589,651-132,589,652, GA deleted; deleting any 2 consecutive bases within chr5:132,589,648-132,589,652 gives the same sequence; the c. name uses the placement nearest the transcript's 3' end. VCF-style (leftmost placement, unchanged base first): chr5-132589647-AAG-A. GRCh37 (hg19) VCF-style: chr5-131925339-AAG-A.
Other names: short protein forms E422fs.
Identifiers: ClinVar variation 1456786 (VCV001456786.6), dbSNP rs2149841450, ClinGen allele CA2580613659.

ClinVar aggregate classification (germline): Pathogenic (1 of 4 stars; one submission).

Conditions:
Hereditary cancer-predisposing syndrome. Also called: Neoplastic Syndromes, Hereditary; Hereditary Cancer Syndrome; Hereditary neoplastic syndrome; Tumor predisposition. Identifiers: Orphanet 140162, MedGen C0027672, MeSH D009386, MONDO:0015356.

Submission:

Labcorp Genetics (formerly Invitae), Labcorp
Classification: Pathogenic for Hereditary cancer-predisposing syndrome. Last evaluated: 2022-09-01. Review status: criteria provided, single submitter. Criteria: Invitae Variant Classification Sherloc (09022015). Collection method: clinical testing. Allele origin: germline.
Comment: For these reasons, this variant has been classified as Pathogenic. This variant has not been reported in the literature in individuals affected with RAD50-related conditions. This variant is not present in population databases (gnomAD no frequency). This sequence change creates a premature translational stop signal (p.Glu422Aspfs*9) in the RAD50 gene. It is expected to result in an absent or disrupted protein product. Loss-of-function variants in RAD50 are known to be pathogenic (PMID: 19409520).

Literature cited by the submitters: PubMed 19409520.